The following is an entry in ClinVar:

ClinVar aggregate classification (germline): Conflicting classifications of pathogenicity. Review status: criteria provided, conflicting classifications (1 of 4 stars). 5 submissions from 5 submitters: Uncertain significance (1); Likely benign (3). 1 of the submissions does not count toward it. Last evaluated 2025-11-04.

Conditions:
CCDC39-related disorder. Also called: CCDC39-related condition.
Primary ciliary dyskinesia 14. Also called: CILIARY DYSKINESIA, PRIMARY, 14, WITH OR WITHOUT SITUS INVERSUS. Identifiers: Orphanet 244, MedGen C3151136, MONDO:0013434, OMIM 613807.
Primary ciliary dyskinesia. Also called: Ciliary dyskinesia. Identifiers: Orphanet 244, MedGen C0008780, MONDO:0016575, HP:0012265.

Allele frequency attached by ClinVar (database versions not stated): gnomAD exomes 0.00007 and 0.00011; ExAC 0.00008; gnomAD 0.00011; TOPMed 0.00014.
gnomAD v4.1: 125 of 1,610,614 alleles (0.0078%); highest among the groups gnomAD compares: Middle Eastern, 0.05%; no homozygotes.

Submissions (5):

Labcorp Genetics (formerly Invitae), Labcorp
Classification: Likely benign for Primary ciliary dyskinesia. Last evaluated: 2025-11-04. Review status: criteria provided, single submitter. Criteria: Invitae Variant Classification Sherloc (09022015). Collection method: clinical testing. Allele origin: germline.

Blueprint Genetics
Classification: Likely benign. Last evaluated: 2024-11-05. Review status: criteria provided, single submitter. Criteria: ACMG Guidelines, 2015. Collection method: clinical testing. Allele origin: germline.

Ambry Genetics
Classification: Likely benign for Primary ciliary dyskinesia. Last evaluated: 2018-01-17. Review status: criteria provided, single submitter. Criteria: Ambry Variant Classification Scheme 2023. Collection method: clinical testing. Allele origin: germline.

Illumina Laboratory Services, Illumina
Classification: Uncertain significance for Primary ciliary dyskinesia 14. Last evaluated: 2018-01-12. Review status: criteria provided, single submitter. Criteria: ICSL Variant Classification Criteria 13 December 2019. Collection method: clinical testing. Allele origin: germline.

PreventionGenetics, part of Exact Sciences
Classification: Likely benign for CCDC39-related condition. Last evaluated: 2019-05-08. Review status: no assertion criteria provided. Collection method: clinical testing. Allele origin: germline. Not counted in ClinVar's aggregate classification.
Comment: This variant is classified as likely benign based on ACMG/AMP sequence variant interpretation guidelines (Richards et al. 2015 PMID: 25741868, with internal and published modifications).

NM_181426.2(CCDC39):c.885G>A (p.Thr295=)

Gene: CCDC39 (coiled-coil domain 39 molecular ruler complex subunit; minus strand). Cytogenetic location: 3q26.33.
Variant type: single nucleotide variant.
Coding change: c.885G>A on transcript NM_181426.2 (MANE Select); coding-DNA position 885, G replaced by A.
Protein change: p.Thr295=; no amino-acid change (threonine 295 retained).
Molecular consequence: synonymous variant.
Genome position (GRCh38, 1-based): chr3:180,654,807, C>T on the plus strand (G>A on the coding strand, the complement: CCDC39 is on the minus strand). VCF-style: chr3-180654807-C-T. GRCh37 (hg19) VCF-style: chr3-180372595-C-T.
Identifiers: ClinVar variation 695450 (VCV000695450.19), dbSNP rs775454434, ClinGen allele CA2716063.